The following is an entry in ClinVar:

ClinVar aggregate classification (germline): Uncertain significance (1 of 4 stars; one submission).

Conditions:
Developmental and epileptic encephalopathy. Identifiers: MedGen C5779964, MONDO:0100620.

Submission:

Labcorp Genetics (formerly Invitae), Labcorp
Classification: Uncertain significance for Early-infantile DEE. Last evaluated: 2020-03-30. Review status: criteria provided, single submitter. Criteria: Invitae Variant Classification Sherloc (09022015). Collection method: clinical testing. Allele origin: germline.
Comment: In summary, the available evidence is currently insufficient to determine the role of this variant in disease. Therefore, it has been classified as a Variant of Uncertain Significance. Experimental studies and prediction algorithms are not available or were not evaluated, and the functional significance of this variant is currently unknown. This variant has not been reported in the literature in individuals with KCNH5-related conditions. This variant is a gross deletion of the genomic region encompassing exons 9-11 of the KCNH5 gene. The 5' boundary is likely confined to intron 8. The 3' end of this event is unknown as it extends through the termination codon beyond the assayed region for this gene and may encompass additional genes. While this deletion is not anticipated to result in nonsense mediated decay, it is expected to create a truncated protein product or disrupt mRNA translation.

NC_000014.8:g.(?_63174206)_(63269319_?)del

Gene: KCNH5 (potassium voltage-gated channel subfamily H member 5; minus strand). Cytogenetic location: 14q23.2.
Variant type: Deletion.
Identifiers: ClinVar variation 1020601 (VCV001020601.6).